The following is an entry in ClinVar:

ClinVar aggregate classification (germline): Uncertain significance (1 of 4 stars; one submission).

Conditions:
Spastic paraplegia. Identifiers: MedGen C0037772, HP:0001258.

Submission:

Labcorp Genetics (formerly Invitae), Labcorp
Classification: Uncertain significance for Spastic paraplegia. Last evaluated: 2025-05-30. Review status: criteria provided, single submitter. Criteria: Invitae Variant Classification Sherloc (09022015). Collection method: clinical testing. Allele origin: germline.
Comment: This sequence change replaces leucine, which is neutral and non-polar, with valine, which is neutral and non-polar, at codon 1046 of the AP4E1 protein (p.Leu1046Val). This variant is not present in population databases (gnomAD no frequency). This variant has not been reported in the literature in individuals affected with AP4E1-related conditions. An algorithm developed to predict the effect of missense changes on protein structure and function (PolyPhen-2) suggests that this variant is likely to be disruptive. In summary, the available evidence is currently insufficient to determine the role of this variant in disease. Therefore, it has been classified as a Variant of Uncertain Significance.

NM_007347.5(AP4E1):c.3136T>G (p.Leu1046Val)

Gene: AP4E1 (adaptor related protein complex 4 subunit epsilon 1; plus strand). Cytogenetic location: 15q21.2.
Variant type: single nucleotide variant.
Coding change: c.3136T>G on transcript NM_007347.5 (MANE Select); coding-DNA position 3136, T replaced by G.
Protein change: p.Leu1046Val; replaces leucine 1046 with valine.
Molecular consequence: missense variant.
Genome position (GRCh38, 1-based): chr15:51,001,066, T>G. VCF-style: chr15-51001066-T-G. GRCh37 (hg19) VCF-style: chr15-51293263-T-G.
Other names: c.2911T>G, p.Leu971Val (NM_001252127.2); short protein forms L1046V, L971V.
Identifiers: ClinVar variation 4709232 (VCV004709232.1).
Genomic context (GRCh38, chr15:51,001,066, plus strand): 5'-ATTTTAAAAATTATTTTCAGACCATTAAAAATCTCAAGTGACGACTTTGGGAAACTCTGG[T>G]TATCCTTCGCAAATGATGTGAAACAAAATGTAAAAATGTCAGAATCTCAAGCTGCACTTC-3'
Protein context (NP_031373.2, residues 1036-1056): ISSDDFGKLW[Leu1046Val]SFANDVKQNV